The following is an entry in ClinVar:

NM_003060.4(SLC22A5):c.69_71del (p.Phe23del)

Gene: SLC22A5 (solute carrier family 22 member 5; plus strand). Cytogenetic location: 5q31.1.
Variant type: Deletion.
Coding change: c.69_71del on transcript NM_003060.4 (MANE Select); coding-DNA positions 69 to 71, 3 bases deleted (CCT; older notation c.69_71delCCT).
Protein change: p.Phe23del; deletes phenylalanine 23.
Molecular consequence: inframe deletion.
Genome position (GRCh38, 1-based): chr5:132,370,041-132,370,043, CCT deleted; deleting any 3 consecutive bases within chr5:132,370,040-132,370,043 gives the same sequence; the c. name uses the placement nearest the transcript's 3' end. VCF-style (leftmost placement, unchanged base first): chr5-132370039-TTCC-T. GRCh37 (hg19) VCF-style: chr5-131705731-TTCC-T.
Other names: c.69_71del, p.Phe23del (NM_001308122.2); short protein forms F23del.
Identifiers: ClinVar variation 1430105 (VCV001430105.8), dbSNP rs2126764814, ClinGen allele CA2573138867.

ClinVar aggregate classification (germline): Pathogenic (1 of 4 stars; one submission).

Conditions:
Renal carnitine transport defect (CDSP). Also called: Systemic primary carnitine deficiency; Primary carnitine deficiency; CARNITINE DEFICIENCY, SYSTEMIC, DUE TO DEFECT IN RENAL REABSORPTION OF CARNITINE; CARNITINE TRANSPORTER, PLASMA-MEMBRANE, DEFICIENCY OF; CARNITINE UPTAKE DEFECT; Systemic primary carnitine deficiency disease. Identifiers: Orphanet 158, MedGen C0342788, MONDO:0008919, OMIM 212140.

Submission:

Labcorp Genetics (formerly Invitae), Labcorp
Classification: Pathogenic for Renal carnitine transport defect. Last evaluated: 2021-03-07. Review status: criteria provided, single submitter. Criteria: Invitae Variant Classification Sherloc (09022015). Collection method: clinical testing. Allele origin: germline.
Comment: For these reasons, this variant has been classified as Pathogenic. Experimental studies have shown that this deletion affects SLC22A5 protein function (PMID: 28841266). This in-frame deletion has been observed in individual(s) with primary carnitine deficiency (PMID: 12210323, 16830263, 23379544, 28841266). It has also been observed to segregate with disease in related individuals. In at least one individual the data is consistent with the deletion being in trans (on the opposite chromosome) from a pathogenic variant. This variant is also known as c.64_66del (p.Phe22del) and g.67-69. This variant is not present in population databases (ExAC no frequency). This variant, c.69_71del, results in the deletion of 1 amino acid(s) of the SLC22A5 protein (p.Phe23del), but otherwise preserves the integrity of the reading frame.

Literature cited by the submitters: PubMed 28841266; PubMed 12210323; PubMed 16830263; PubMed 23379544.